The following is an entry in ClinVar:

NM_001024630.4(RUNX2):c.177GCA[8] (p.Gln70_Gln71dup)

Genes: RUNX2 (RUNX family transcription factor 2; plus strand), LOC109611589 (runt related transcription factor 2 polyalanine expansion region; plus strand). Cytogenetic location: 6p21.1.
Variant type: Microsatellite.
Coding change: c.177GCA[8] on transcript NM_001024630.4 (MANE Select); eight copies in a row of the 3-base unit GCA starting at c.177; the reference has six copies in a row; two copies, 6 bases duplicated.
Protein change: p.Gln70_Gln71dup.
Molecular consequence: inframe insertion.
Genome position (GRCh38, 1-based): chr6:45,422,723-45,422,728, GCAGCA duplicated; duplicating any 6 consecutive bases within chr6:45,422,709-45,422,728 gives the same sequence; the position shown is the placement nearest the transcript's 3' end. VCF-style (leftmost placement, unchanged base first): chr6-45422708-A-ACAGCAG. GRCh37 (hg19) VCF-style: chr6-45390445-A-ACAGCAG.
Other names: c.177GCA[8], p.Gln70_Gln71dup (NM_001015051.4); c.135GCA[8], p.Gln56_Gln57dup (NM_001278478.2, NM_001369405.1).
Identifiers: ClinVar variation 1036921 (VCV001036921.6), dbSNP rs759395776, ClinGen allele CA3836285.
Genomic context (GRCh38, chr6:45,422,708, plus strand): 5'-AATGAGCGACGTGAGCCCGGTGGTGGCTGCGCAACAGCAGCAGCAACAGCAGCAGCAGCA[A>ACAGCAG]CAGCAGCAGCAGCAGCAGCAACAGCAGCAGCAGCAGCAGGAGGCGGCGGCGGCGGCTGCG-3'

ClinVar aggregate classification (germline): Uncertain significance (1 of 4 stars; one submission).

Submission:

Labcorp Genetics (formerly Invitae), Labcorp
Classification: Uncertain significance. Last evaluated: 2025-11-03. Review status: criteria provided, single submitter. Criteria: Invitae Variant Classification Sherloc (09022015). Collection method: clinical testing. Allele origin: germline.
Comment: This variant, c.189_194dup, results in the insertion of 2 amino acid(s) of the RUNX2 protein (p.Gln70_Gln71dup), but otherwise preserves the integrity of the reading frame. The frequency data for this variant in the population databases is considered unreliable, as metrics indicate poor data quality at this position in the gnomAD database. This variant has not been reported in the literature in individuals affected with RUNX2-related conditions. Experimental studies and prediction algorithms are not available or were not evaluated, and the functional significance of this variant is currently unknown. In summary, the available evidence is currently insufficient to determine the role of this variant in disease. Therefore, it has been classified as a Variant of Uncertain Significance.